The following is an entry in ClinVar:

ClinVar aggregate classification (germline): Uncertain significance. Review status: criteria provided, multiple submitters, no conflicts (2 of 4 stars). 2 submissions from 2 submitters: Uncertain significance (2). Last evaluated 2026-05-31.

Conditions:
PDYN-related disorder. Also called: PDYN-related condition.

gnomAD v4.1: 31 of 1,613,686 alleles (0.0019%); highest among the groups gnomAD compares: East Asian, 0.0045%; no homozygotes.

Submissions (2):

PreventionGenetics, part of Exact Sciences
Classification: Uncertain significance for PDYN-related condition. Last evaluated: 2026-05-31. Review status: criteria provided, single submitter. Criteria: ACMG Guidelines, 2015. Collection method: clinical testing. Allele origin: germline.
Comment: The PDYN c.539G>A variant is predicted to result in the amino acid substitution p.Arg180His. To our knowledge, this variant has not been reported in the literature. This variant is reported in 0.0033% of alleles in individuals of South Asian descent in gnomAD. At this time, the clinical significance of this variant is uncertain due to the absence of conclusive functional and genetic evidence.

Labcorp Genetics (formerly Invitae), Labcorp
Classification: Uncertain significance. Last evaluated: 2025-10-19. Review status: criteria provided, single submitter. Criteria: Invitae Variant Classification Sherloc (09022015). Collection method: clinical testing. Allele origin: germline.
Comment: This sequence change replaces arginine, which is basic and polar, with histidine, which is basic and polar, at codon 180 of the PDYN protein (p.Arg180His). This variant is present in population databases (rs377075531, gnomAD 0.003%). This variant has not been reported in the literature in individuals affected with PDYN-related conditions. ClinVar contains an entry for this variant (Variation ID: 2182242). Invitae Evidence Modeling of protein sequence and biophysical properties (such as structural, functional, and spatial information, amino acid conservation, physicochemical variation, residue mobility, and thermodynamic stability) indicates that this missense variant is expected to disrupt PDYN protein function with a positive predictive value of 80%. In summary, the available evidence is currently insufficient to determine the role of this variant in disease. Therefore, it has been classified as a Variant of Uncertain Significance.

NM_024411.5(PDYN):c.539G>A (p.Arg180His)

Genes: PDYN (prodynorphin; minus strand), PDYN-AS1 (PDYN antisense RNA 1; plus strand). Cytogenetic location: 20p13.
Variant type: single nucleotide variant.
Coding change: c.539G>A on transcript NM_024411.5 (MANE Select); coding-DNA position 539, G replaced by A.
Protein change: p.Arg180His; replaces arginine 180 with histidine.
Molecular consequence: missense variant.
Genome position (GRCh38, 1-based): chr20:1,980,549, C>T on the plus strand (G>A on the coding strand, the complement: PDYN is on the minus strand). VCF-style: chr20-1980549-C-T. GRCh37 (hg19) VCF-style: chr20-1961195-C-T.
Other names: c.539G>A, p.Arg180His (NM_001190892.1, NM_001190898.3, NM_001190899.2 and 1 more transcripts); c.539G>A (NM_024411.4); short protein forms R180H.
Identifiers: ClinVar variation 2182242 (VCV002182242.5), dbSNP rs377075531, ClinGen allele CA9730277.